The following is an entry in ClinVar:

NM_001128178.3(NPHP1):c.1660A>G (p.Met554Val)

Gene: NPHP1 (nephrocystin 1; minus strand). Cytogenetic location: 2q13.
Variant type: single nucleotide variant.
Coding change: c.1660A>G on transcript NM_001128178.3 (MANE Select); coding-DNA position 1660, A replaced by G.
Protein change: p.Met554Val; replaces methionine 554 with valine.
Molecular consequence: missense variant.
Genome position (GRCh38, 1-based): chr2:110,129,242, T>C on the plus strand (A>G on the coding strand, the complement: NPHP1 is on the minus strand). VCF-style: chr2-110129242-T-C. GRCh37 (hg19) VCF-style: chr2-110886819-T-C.
Other names: c.1828A>G, p.Met610Val (NM_000272.5); c.1471A>G, p.Met491Val (NM_001128179.3); c.1657A>G, p.Met553Val (NM_001374256.1); c.1660A>G, p.Met554Val (NM_001374257.1); c.1825A>G, p.Met609Val (NM_207181.4); short protein forms M609V, M491V, M554V, M610V, M553V.
Identifiers: ClinVar variation 1378479 (VCV001378479.5), dbSNP rs1679599536, ClinGen allele CA348086883.

ClinVar aggregate classification (germline): Uncertain significance (1 of 4 stars; one submission).

Conditions:
Nephronophthisis. Also called: Juvenile Nephronophthisis. Identifiers: Orphanet 655, MedGen C0687120, MONDO:0019005, HP:0000090.

Allele frequency attached by ClinVar (database versions not stated): gnomAD exomes below 0.00001.
gnomAD v4.1: 2 of 1,613,386 alleles (0.00012%); highest among the groups gnomAD compares: South Asian, 0.0022%; no homozygotes.

Submission:

Labcorp Genetics (formerly Invitae), Labcorp
Classification: Uncertain significance for Nephronophthisis. Last evaluated: 2021-08-27. Review status: criteria provided, single submitter. Criteria: Invitae Variant Classification Sherloc (09022015). Collection method: clinical testing. Allele origin: germline.
Comment: This sequence change replaces methionine with valine at codon 610 of the NPHP1 protein (p.Met610Val). The methionine residue is weakly conserved and there is a small physicochemical difference between methionine and valine. This variant is not present in population databases (ExAC no frequency). This variant has not been reported in the literature in individuals affected with NPHP1-related conditions. Algorithms developed to predict the effect of missense changes on protein structure and function output the following: SIFT: "Tolerated"; PolyPhen-2: "Benign"; Align-GVGD: "Class C0". The valine amino acid residue is found in multiple mammalian species, which suggests that this missense change does not adversely affect protein function. In summary, the available evidence is currently insufficient to determine the role of this variant in disease. Therefore, it has been classified as a Variant of Uncertain Significance.